The following is an entry in ClinVar:

NM_001134407.3(GRIN2A):c.3169G>T (p.Ala1057Ser)

Gene: GRIN2A (glutamate ionotropic receptor NMDA type subunit 2A; minus strand). Cytogenetic location: 16p13.2.
Variant type: single nucleotide variant.
Coding change: c.3169G>T on transcript NM_001134407.3 (MANE Select); coding-DNA position 3169, G replaced by T.
Protein change: p.Ala1057Ser; replaces alanine 1057 with serine.
Molecular consequence: missense variant.
Genome position (GRCh38, 1-based): chr16:9,764,375, C>A on the plus strand (G>T on the coding strand, the complement: GRIN2A is on the minus strand). VCF-style: chr16-9764375-C-A. GRCh37 (hg19) VCF-style: chr16-9858232-C-A.
Other names: c.3169G>T, p.Ala1057Ser (NM_000833.5, NM_001134408.2); short protein forms A1057S.
Identifiers: ClinVar variation 4802912 (VCV004802912.1).
Genomic context (GRCh38, chr16:9,764,375, plus strand): 5'-TGTTGTCAGGTTCCCTGTGGCACGTGGCCCGATTTGACGTTTCTGAAATGTCAGAGTGGG[C>A]CATCTCTTCTGGAAGATACCTAGGGCTCTTTAGGGAGTGGGTCCTATTCTCTGCTGTTGC-3'
Protein context (NP_001127879.1, residues 1047-1067): KSPRYLPEEM[Ala1057Ser]HSDISETSNR

ClinVar aggregate classification (germline): Uncertain significance (1 of 4 stars; one submission).

Conditions:
Landau-Kleffner syndrome (FESD). Also called: EPILEPSY, FOCAL, WITH SPEECH DISORDER AND WITH OR WITHOUT MENTAL RETARDATION; APHASIA, ACQUIRED, WITH EPILEPSY. Identifiers: Orphanet 1945, Orphanet 725, Orphanet 98818, MedGen C0282512, MONDO:0009509, OMIM 245570.

gnomAD v4.1: 3 of 1,614,086 alleles (0.00019%); highest among the groups gnomAD compares: Non-Finnish European, 0.00025%; no homozygotes.

Submission:

Labcorp Genetics (formerly Invitae), Labcorp
Classification: Uncertain significance for Landau-Kleffner syndrome. Last evaluated: 2025-11-27. Review status: criteria provided, single submitter. Criteria: Invitae Variant Classification Sherloc (09022015). Collection method: clinical testing. Allele origin: germline.
Comment: This sequence change replaces alanine, which is neutral and non-polar, with serine, which is neutral and polar, at codon 1057 of the GRIN2A protein (p.Ala1057Ser). This variant is not present in population databases (gnomAD no frequency). This variant has not been reported in the literature in individuals affected with GRIN2A-related conditions. Invitae Evidence Modeling of protein sequence and biophysical properties (such as structural, functional, and spatial information, amino acid conservation, physicochemical variation, residue mobility, and thermodynamic stability) indicates that this missense variant is not expected to disrupt GRIN2A protein function with a negative predictive value of 95%. In summary, the available evidence is currently insufficient to determine the role of this variant in disease. Therefore, it has been classified as a Variant of Uncertain Significance.